The following is an entry in ClinVar:

ClinVar aggregate classification (germline): Likely benign. Review status: criteria provided, multiple submitters, no conflicts (2 of 4 stars). 7 submissions from 7 submitters: Likely benign (6). 1 of the submissions does not count toward it. Last evaluated 2025-09-10.

Conditions:
Inborn genetic diseases. Identifiers: MedGen C0950123, MeSH D030342.
PACS1-related disorder. Also called: PACS1-related condition.
Schuurs-Hoeijmakers syndrome. Also called: PACS1-Related Neurodevelopmental Disorder. Identifiers: Orphanet 329224, MedGen C3554343, MONDO:0014006, OMIM 615009.

Allele frequency attached by ClinVar (database versions not stated): gnomAD exomes 0.00013; 1000 Genomes Project 30x 0.00016; gnomAD 0.00017 and 0.00021; ExAC 0.00018; 1000 Genomes Project 0.00020; TOPMed 0.00021; ESP Exome Variant Server 0.00023.
gnomAD v4.1: 322 of 1,614,028 alleles (0.02%); highest among the groups gnomAD compares: East Asian, 0.04%; 1 homozygote.

Submissions (7):

Labcorp Genetics (formerly Invitae), Labcorp
Classification: Likely benign for Schuurs-Hoeijmakers syndrome. Last evaluated: 2025-09-10. Review status: criteria provided, single submitter. Criteria: Invitae Variant Classification Sherloc (09022015). Collection method: clinical testing. Allele origin: germline.

CeGaT Center for Human Genetics Tuebingen
Classification: Likely benign. Last evaluated: 2023-08-01. Review status: criteria provided, single submitter. Criteria: CeGaT Center For Human Genetics Tuebingen Variant Classification Criteria Version 2. Collection method: clinical testing. Allele origin: germline. Affected: yes. Observed: 1 variant allele.
Comment: PACS1: BP4, BP7

Blueprint Genetics
Classification: Likely benign. Last evaluated: 2023-05-15. Review status: criteria provided, single submitter. Criteria: ACMG Guidelines, 2015. Collection method: clinical testing. Allele origin: germline.

GeneDx
Classification: Likely benign. Last evaluated: 2019-08-30. Review status: criteria provided, single submitter. Criteria: GeneDx Variant Classification Process June 2021. Collection method: clinical testing. Allele origin: germline. Affected: yes.

Ambry Genetics
Classification: Likely benign for Inborn genetic diseases. Last evaluated: 2017-07-19. Review status: criteria provided, single submitter. Criteria: Ambry Variant Classification Scheme 2023. Collection method: clinical testing. Allele origin: germline.

Genetic Services Laboratory, University of Chicago
Classification: Likely benign. Last evaluated: 2017-03-13. Review status: criteria provided, single submitter. Criteria: ACMG Guidelines, 2015. Collection method: clinical testing. Allele origin: germline. Affected: no.

PreventionGenetics, part of Exact Sciences
Classification: Likely benign for PACS1-related condition. Last evaluated: 2024-01-03. Review status: no assertion criteria provided. Collection method: clinical testing. Allele origin: germline. Not counted in ClinVar's aggregate classification.
Comment: This variant is classified as likely benign based on ACMG/AMP sequence variant interpretation guidelines (Richards et al. 2015 PMID: 25741868, with internal and published modifications).

NM_018026.4(PACS1):c.2358G>A (p.Ser786=)

Gene: PACS1 (phosphofurin acidic cluster sorting protein 1; plus strand). Cytogenetic location: 11q13.2.
Variant type: single nucleotide variant.
Coding change: c.2358G>A on transcript NM_018026.4 (MANE Select); coding-DNA position 2358, G replaced by A.
Protein change: p.Ser786=; no amino-acid change (serine 786 retained).
Molecular consequence: synonymous variant.
Genome position (GRCh38, 1-based): chr11:66,239,206, G>A. VCF-style: chr11-66239206-G-A. GRCh37 (hg19) VCF-style: chr11-66006677-G-A.
Identifiers: ClinVar variation 436129 (VCV000436129.42), dbSNP rs200716334, ClinGen allele CA6116857.